The following is an entry in ClinVar:

NM_000214.3(JAG1):c.2829G>T (p.Pro943=)

Gene: JAG1 (jagged canonical Notch ligand 1; minus strand). Cytogenetic location: 20p12.2.
Variant type: single nucleotide variant.
Coding change: c.2829G>T on transcript NM_000214.3 (MANE Select); coding-DNA position 2829, G replaced by T.
Protein change: p.Pro943=; no amino-acid change (proline 943 retained).
Molecular consequence: synonymous variant.
Genome position (GRCh38, 1-based): chr20:10,641,547, C>A on the plus strand (G>T on the coding strand, the complement: JAG1 is on the minus strand). VCF-style: chr20-10641547-C-A. GRCh37 (hg19) VCF-style: chr20-10622195-C-A.
Identifiers: ClinVar variation 1796539 (VCV001796539.9), dbSNP rs546984480, ClinGen allele CA311368743.

ClinVar aggregate classification (germline): Likely benign. Review status: criteria provided, multiple submitters, no conflicts (2 of 4 stars). 4 submissions from 4 submitters: Likely benign (4). Last evaluated 2025-10-23.

Conditions:
JAG1-related disorder. Also called: JAG1-related condition; JAG1-related disorders.
Cardiovascular phenotype. Identifiers: MedGen CN230736.
Alagille syndrome due to a JAG1 point mutation. Also called: JAG1-Related Alagille Syndrome; HEPATIC DUCTULAR HYPOPLASIA, SYNDROMATIC; Alagille Syndrome 1. Identifiers: Orphanet 261619, Orphanet 52, MedGen C1956125, MONDO:0016862, OMIM 118450.

gnomAD v4.1: 96 of 1,614,054 alleles (0.0059%); highest among the groups gnomAD compares: Non-Finnish European, 0.0078%; no homozygotes.

Submissions (4):

Labcorp Genetics (formerly Invitae), Labcorp
Classification: Likely benign for Alagille syndrome due to a JAG1 point mutation. Last evaluated: 2025-10-23. Review status: criteria provided, single submitter. Criteria: Invitae Variant Classification Sherloc (09022015). Collection method: clinical testing. Allele origin: germline.

PreventionGenetics, part of Exact Sciences
Classification: Likely benign for JAG1-related condition. Last evaluated: 2025-03-29. Review status: criteria provided, single submitter. Criteria: ACMG Guidelines, 2015. Collection method: clinical testing. Allele origin: germline.
Comment: This variant is classified as likely benign based on ACMG/AMP sequence variant interpretation guidelines (Richards et al. 2015 PMID: 25741868, with internal and published modifications).

Ambry Genetics
Classification: Likely benign for Cardiovascular phenotype. Last evaluated: 2022-06-22. Review status: criteria provided, single submitter. Criteria: Ambry Variant Classification Scheme 2023. Collection method: clinical testing. Allele origin: germline.

Blueprint Genetics
Classification: Likely benign. Last evaluated: 2021-09-14. Review status: criteria provided, single submitter. Criteria: ACMG Guidelines, 2015. Collection method: clinical testing. Allele origin: germline.